The following is an entry in ClinVar:

NM_004608.4(TBX6):c.1015C>A (p.Pro339Thr)

Gene: TBX6 (T-box transcription factor 6; minus strand). Cytogenetic location: 16p11.2.
Variant type: single nucleotide variant.
Coding change: c.1015C>A on transcript NM_004608.4 (MANE Select); coding-DNA position 1015, C replaced by A.
Protein change: p.Pro339Thr; replaces proline 339 with threonine.
Molecular consequence: missense variant.
Genome position (GRCh38, 1-based): chr16:30,086,594, G>T on the plus strand (C>A on the coding strand, the complement: TBX6 is on the minus strand). VCF-style: chr16-30086594-G-T. GRCh37 (hg19) VCF-style: chr16-30097915-G-T.
Other names: short protein forms P339T.
Identifiers: ClinVar variation 1408358 (VCV001408358.8), dbSNP rs553009645, ClinGen allele CA280429376.
Genomic context (GRCh38, chr16:30,086,594, plus strand): 5'-CCCCATGGAAAGCCGCAGGGTGCAGGAGGTAGGCCTCAGCACTGGGGCCACCACACAGAG[G>T]TGCCGGGGCAGCGGTGGCTTCCCCGGGGGCTGGGGCCTGTTCTGGATCTGATTCACGAAT-3'
Protein context (NP_004599.2, residues 329-349): APGEATAAPA[Pro339Thr]LCGGPSAEAY

ClinVar aggregate classification (germline): Uncertain significance (1 of 4 stars; one submission).

Allele frequency attached by ClinVar (database versions not stated): gnomAD 0.00001; gnomAD exomes 0.00002; 1000 Genomes Project 30x 0.00031; 1000 Genomes Project 0.00040.

Submission:

Labcorp Genetics (formerly Invitae), Labcorp
Classification: Uncertain significance. Last evaluated: 2022-07-12. Review status: criteria provided, single submitter. Criteria: Invitae Variant Classification Sherloc (09022015). Collection method: clinical testing. Allele origin: germline.
Comment: This sequence change replaces proline, which is neutral and non-polar, with threonine, which is neutral and polar, at codon 339 of the TBX6 protein (p.Pro339Thr). The frequency data for this variant in the population databases is considered unreliable, as metrics indicate poor data quality at this position in the gnomAD database. This variant has not been reported in the literature in individuals affected with TBX6-related conditions. ClinVar contains an entry for this variant (Variation ID: 1408358). Algorithms developed to predict the effect of missense changes on protein structure and function (SIFT, PolyPhen-2, Align-GVGD) all suggest that this variant is likely to be tolerated. In summary, the available evidence is currently insufficient to determine the role of this variant in disease. Therefore, it has been classified as a Variant of Uncertain Significance.